The following is an entry in ClinVar:

NM_153614.4(DNAJB13):c.671G>A (p.Arg224His)

Gene: DNAJB13 (DnaJ heat shock protein family (Hsp40) member B13; plus strand). Cytogenetic location: 11q13.4.
Variant type: single nucleotide variant.
Coding change: c.671G>A on transcript NM_153614.4 (MANE Select); coding-DNA position 671, G replaced by A.
Protein change: p.Arg224His; replaces arginine 224 with histidine.
Molecular consequence: missense variant.
Genome position (GRCh38, 1-based): chr11:73,968,409, G>A. VCF-style: chr11-73968409-G-A. GRCh37 (hg19) VCF-style: chr11-73679454-G-A.
Other names: p.Arg224His; c.497G>A, p.Arg166His (NM_001377263.1); short protein forms R224H, R166H.
Identifiers: ClinVar variation 781692 (VCV000781692.36), dbSNP rs147921001, ClinGen allele CA6180856.

ClinVar aggregate classification (germline): Conflicting classifications of pathogenicity. Review status: criteria provided, conflicting classifications (1 of 4 stars). 6 submissions from 6 submitters: Uncertain significance (2); Benign (1); Likely benign (3). Last evaluated 2026-08-01.

Conditions:
Cough. Identifiers: MedGen C0010200, HP:0012735.

Allele frequency attached by ClinVar (database versions not stated): ESP Exome Variant Server 0.00377; TOPMed 0.00398; 1000 Genomes Project 0.00060; 1000 Genomes Project 30x 0.00062; gnomAD 0.00296.

Submissions (6):

CeGaT Center for Human Genetics Tuebingen
Classification: Likely benign. Last evaluated: 2026-08-01. Review status: criteria provided, single submitter. Criteria: CeGaT Center For Human Genetics Tuebingen Variant Classification Criteria Version 2. Collection method: clinical testing. Allele origin: germline. Affected: yes. Observed: 6 variant alleles.
Comment: DNAJB13: BP4, BS2

Labcorp Genetics (formerly Invitae), Labcorp
Classification: Likely benign. Last evaluated: 2026-02-01. Review status: criteria provided, single submitter. Criteria: Invitae Variant Classification Sherloc (09022015). Collection method: clinical testing. Allele origin: germline.

GeneDx
Classification: Uncertain significance. Last evaluated: 2026-01-22. Review status: criteria provided, single submitter. Criteria: GeneDx Variant Classification Process June 2021. Collection method: clinical testing. Allele origin: germline.
Comment: In silico analysis supports that this missense variant has a deleterious effect on protein structure/function; Has not been previously published as pathogenic or benign to our knowledge

Mayo Clinic Laboratories, Mayo Clinic
Classification: Benign. Last evaluated: 2025-05-20. Review status: criteria provided, single submitter. Criteria: ACMG Guidelines, 2015. Collection method: clinical testing. Allele origin: germline. Observed: 1 variant allele.
Comment: BS1, BS2, BP4

Genetics and Molecular Pathology, SA Pathology
Classification: Uncertain significance for Cough. Last evaluated: 2019-10-01. Review status: criteria provided, single submitter. Criteria: ACMG Guidelines, 2015. Collection method: clinical testing. Allele origin: germline. Inheritance: Autosomal recessive inheritance. Affected: yes.

Breakthrough Genomics
Classification: Likely benign. Review status: criteria provided, single submitter. Criteria: ACMG Guidelines, 2015. Collection method: not provided. Allele origin: germline. Inheritance: Autosomal recessive inheritance. Affected: yes.